The following is an entry in ClinVar:

ClinVar aggregate classification (germline): Likely benign. Review status: criteria provided, multiple submitters, no conflicts (2 of 4 stars). 2 submissions from 2 submitters: Likely benign (2). Last evaluated 2025-01-13.

Conditions:
Specific granule deficiency. Identifiers: Orphanet 169142, MedGen C0398593, MONDO:0009506.

Allele frequency attached by ClinVar (database versions not stated): ExAC 0.00001; gnomAD exomes 0.00002.

Submissions (2):

Labcorp Genetics (formerly Invitae), Labcorp
Classification: Likely benign for Specific granule deficiency. Last evaluated: 2025-01-13. Review status: criteria provided, single submitter. Criteria: Invitae Variant Classification Sherloc (09022015). Collection method: clinical testing. Allele origin: germline.

CeGaT Center for Human Genetics Tuebingen
Classification: Likely benign. Last evaluated: 2022-07-01. Review status: criteria provided, single submitter. Criteria: CeGaT Center For Human Genetics Tuebingen Variant Classification Criteria Version 2. Collection method: clinical testing. Allele origin: germline. Affected: yes. Observed: 1 variant allele.
Comment: CEBPE: BP4, BP7

NM_001805.4(CEBPE):c.129C>T (p.Ser43=)

Gene: CEBPE (CCAAT enhancer binding protein epsilon; minus strand). Cytogenetic location: 14q11.2.
Variant type: single nucleotide variant.
Coding change: c.129C>T on transcript NM_001805.4 (MANE Select); coding-DNA position 129, C replaced by T.
Protein change: p.Ser43=; no amino-acid change (serine 43 retained).
Molecular consequence: synonymous variant.
Genome position (GRCh38, 1-based): chr14:23,118,963, G>A on the plus strand (C>T on the coding strand, the complement: CEBPE is on the minus strand). VCF-style: chr14-23118963-G-A. GRCh37 (hg19) VCF-style: chr14-23588172-G-A.
Identifiers: ClinVar variation 1090791 (VCV001090791.33), dbSNP rs750232833, ClinGen allele CA7111287.